The following is an entry in ClinVar:

ClinVar aggregate classification (germline): Uncertain significance (1 of 4 stars; one submission).

Submission:

GeneDx
Classification: Uncertain significance. Last evaluated: 2024-09-11. Review status: criteria provided, single submitter. Criteria: GeneDx Variant Classification Process June 2021. Collection method: clinical testing. Allele origin: germline. Affected: yes.
Comment: Not observed at significant frequency in large population cohorts (gnomAD); Missense variants in this gene are a common cause of disease and they are underrepresented in the general population; In silico analysis supports that this missense variant has a deleterious effect on protein structure/function; Has not been previously published as pathogenic or benign to our knowledge

NM_002834.5(PTPN11):c.344G>A (p.Gly115Glu)

Gene: PTPN11 (protein tyrosine phosphatase non-receptor type 11; plus strand). Cytogenetic location: 12q24.13.
Variant type: single nucleotide variant.
Coding change: c.344G>A on transcript NM_002834.5 (MANE Select); coding-DNA position 344, G replaced by A.
Protein change: p.Gly115Glu; replaces glycine 115 with glutamic acid.
Molecular consequence: missense variant.
Genome position (GRCh38, 1-based): chr12:112,453,206, G>A. VCF-style: chr12-112453206-G-A. GRCh37 (hg19) VCF-style: chr12-112891010-G-A.
Other names: c.344G>A, p.Gly115Glu (NM_001330437.2, NM_080601.3); c.341G>A, p.Gly114Glu (NM_001374625.1); short protein forms G114E, G115E.
Identifiers: ClinVar variation 3769655 (VCV003769655.1).